The following is an entry in ClinVar:

ClinVar aggregate classification (germline): Likely pathogenic (1 of 4 stars; one submission).

Submission:

Labcorp Genetics (formerly Invitae), Labcorp
Classification: Likely pathogenic. Last evaluated: 2024-02-17. Review status: criteria provided, single submitter. Criteria: Invitae Variant Classification Sherloc (09022015). Collection method: clinical testing. Allele origin: germline.
Comment: This sequence change affects an acceptor splice site in intron 16 of the ITGB4 gene. It is expected to disrupt RNA splicing. Variants that disrupt the donor or acceptor splice site typically lead to a loss of protein function (PMID: 16199547), and loss-of-function variants in ITGB4 are known to be pathogenic (PMID: 11328943, 16473856). This variant is not present in population databases (gnomAD no frequency). This variant has not been reported in the literature in individuals affected with ITGB4-related conditions. Algorithms developed to predict the effect of sequence changes on RNA splicing suggest that this variant may disrupt the consensus splice site. In summary, the currently available evidence indicates that the variant is pathogenic, but additional data are needed to prove that conclusively. Therefore, this variant has been classified as Likely Pathogenic.

Literature cited by the submitters: PubMed 16199547; PubMed 11328943; PubMed 16473856.

NM_000213.5(ITGB4):c.1991-1G>A

Gene: ITGB4 (integrin subunit beta 4; plus strand). Cytogenetic location: 17q25.1.
Variant type: single nucleotide variant.
Coding change: c.1991-1G>A on transcript NM_000213.5 (MANE Select); the canonical splice acceptor site of the intron before coding-DNA position 1991, G replaced by A.
Molecular consequence: splice acceptor variant.
Genome position (GRCh38, 1-based): chr17:75,737,321, G>A. VCF-style: chr17-75737321-G-A. GRCh37 (hg19) VCF-style: chr17-73733402-G-A.
Other names: c.1991-1G>A (NM_001005619.2, NM_001005731.3, NM_001438834.1 and 1 more transcripts).
Identifiers: ClinVar variation 3641693 (VCV003641693.2).